The following is an entry in ClinVar:

NM_004329.3(BMPR1A):c.67+9G>A

Gene: BMPR1A (bone morphogenetic protein receptor type 1A; plus strand). Cytogenetic location: 10q23.2.
Variant type: single nucleotide variant.
Coding change: c.67+9G>A on transcript NM_004329.3 (MANE Select); 9 bases into the intron after coding-DNA position 67, G replaced by A.
Molecular consequence: intron variant.
Genome position (GRCh38, 1-based): chr10:86,876,094, G>A. VCF-style: chr10-86876094-G-A. GRCh37 (hg19) VCF-style: chr10-88635851-G-A.
Identifiers: ClinVar variation 1107994 (VCV001107994.10), dbSNP rs1060504909, ClinGen allele CA2499220418.

ClinVar aggregate classification (germline): Likely benign. Review status: criteria provided, multiple submitters, no conflicts (2 of 4 stars). 2 submissions from 2 submitters: Likely benign (2). Last evaluated 2024-07-30.

Conditions:
Juvenile polyposis syndrome (JPS). Identifiers: Orphanet 2929, MedGen C0345893, MONDO:0017380, OMIM 174900.

gnomAD v4.1: 2 of 1,605,916 alleles (0.00012%); highest among the groups gnomAD compares: East Asian, 0.0022%; no homozygotes.

Submissions (2):

Myriad Genetics, Inc.
Classification: Likely benign for Juvenile polyposis syndrome. Last evaluated: 2024-07-30. Review status: criteria provided, single submitter. Criteria: Myriad Autosomal Dominant, Autosomal Recessive and X-Linked Classification Criteria (2023). Collection method: clinical testing. Allele origin: unknown.
Comment: This variant is considered likely benign. This variant is intronic and is not expected to impact mRNA splicing.

Labcorp Genetics (formerly Invitae), Labcorp
Classification: Likely benign for Juvenile polyposis syndrome. Last evaluated: 2024-06-30. Review status: criteria provided, single submitter. Criteria: Invitae Variant Classification Sherloc (09022015). Collection method: clinical testing. Allele origin: germline.